The following is an entry in ClinVar:

ClinVar aggregate classification (germline): Conflicting classifications of pathogenicity. Review status: criteria provided, conflicting classifications (1 of 4 stars). 3 submissions from 3 submitters: Uncertain significance (1); Benign (1); Likely benign (1). Last evaluated 2025-12-22.

Conditions:
ATP11A-related disorder. Also called: ATP11A-related condition.
Inborn genetic diseases. Identifiers: MedGen C0950123, MeSH D030342.

Allele frequency attached by ClinVar (database versions not stated): ESP Exome Variant Server 0.00008; 1000 Genomes Project 30x 0.00016; gnomAD 0.00018; 1000 Genomes Project 0.00020; TOPMed 0.00021; ExAC 0.00024.
gnomAD v4.1: 181 of 1,367,730 alleles (0.013%); highest among the groups gnomAD compares: East Asian, 0.14%; no homozygotes.

Submissions (3):

PreventionGenetics, part of Exact Sciences
Classification: Likely benign for ATP11A-related condition. Last evaluated: 2025-12-22. Review status: criteria provided, single submitter. Criteria: ACMG Guidelines, 2015. Collection method: clinical testing. Allele origin: germline.
Comment: This variant is classified as likely benign based on ACMG/AMP sequence variant interpretation guidelines (Richards et al. 2015 PMID: 25741868, with internal and published modifications).

CeGaT Center for Human Genetics Tuebingen
Classification: Benign. Last evaluated: 2025-09-01. Review status: criteria provided, single submitter. Criteria: CeGaT Center For Human Genetics Tuebingen Variant Classification Criteria Version 2. Collection method: clinical testing. Allele origin: germline. Affected: yes. Observed: 2 variant alleles.
Comment: ATP11A: BP4, BS1, BS2

Ambry Genetics
Classification: Uncertain significance for Inborn genetic diseases. Last evaluated: 2023-12-15. Review status: criteria provided, single submitter. Criteria: Ambry Variant Classification Scheme 2023. Collection method: clinical testing. Allele origin: germline.

NM_015205.3(ATP11A):c.*43G>A

Gene: ATP11A (ATPase phospholipid transporting 11A; plus strand). Cytogenetic location: 13q34.
Variant type: single nucleotide variant.
Coding change: c.*43G>A on transcript NM_015205.3 (MANE Select); 43 bases downstream of the stop codon, G replaced by A.
Molecular consequence: 3 prime UTR variant. On other transcripts: missense variant (3).
Genome position (GRCh38, 1-based): chr13:112,881,909, G>A. VCF-style: chr13-112881909-G-A. GRCh37 (hg19) VCF-style: chr13-113536223-G-A.
Other names: c.3424G>A, p.Ala1142Thr (NM_001405661.1); c.3361G>A, p.Ala1121Thr (NM_001405662.1); c.*45G>A (NM_001405663.1); c.3421G>A, p.Ala1141Thr (NM_032189.4); short protein forms A1142T, A1121T, A1141T.
Identifiers: ClinVar variation 3131313 (VCV003131313.16), dbSNP rs147994588, ClinGen allele CA7057653.
Genomic context (GRCh38, chr13:112,881,909, plus strand): 5'-GAATTCACCCCTCTTGCCTCTCTGCAGAGCCCAGGCTACCAGAGCACCTGTCCCTCGGCC[G>A]CCTGGTACAGCTCCCACTCTCAGCAGGTGACACTCGCGGCCTGGAAGGAGAAGGTGTCCA-3'